The following is an entry in ClinVar:

ClinVar aggregate classification (germline): Uncertain significance. Review status: criteria provided, multiple submitters, no conflicts (2 of 4 stars). 2 submissions from 2 submitters: Uncertain significance (2). Last evaluated 2026-01-13.

Allele frequency attached by ClinVar (database versions not stated): gnomAD exomes 0.00001; ExAC 0.00002; gnomAD 0.00003; TOPMed 0.00004; ESP Exome Variant Server 0.00008.
gnomAD v4.1: 19 of 1,614,012 alleles (0.0012%); highest among the groups gnomAD compares: Non-Finnish European, 0.0015%; no homozygotes.

Submissions (2):

Labcorp Genetics (formerly Invitae), Labcorp
Classification: Uncertain significance. Last evaluated: 2026-01-13. Review status: criteria provided, single submitter. Criteria: Invitae Variant Classification Sherloc (09022015). Collection method: clinical testing. Allele origin: germline.
Comment: This sequence change replaces serine, which is neutral and polar, with glycine, which is neutral and non-polar, at codon 123 of the GHSR protein (p.Ser123Gly). This variant is present in population databases (rs142733811, gnomAD 0.004%). This variant has not been reported in the literature in individuals affected with GHSR-related conditions. ClinVar contains an entry for this variant (Variation ID: 2691709). Invitae Evidence Modeling of protein sequence and biophysical properties (such as structural, functional, and spatial information, amino acid conservation, physicochemical variation, residue mobility, and thermodynamic stability) indicates that this missense variant is not expected to disrupt GHSR protein function with a negative predictive value of 80%. In summary, the available evidence is currently insufficient to determine the role of this variant in disease. Therefore, it has been classified as a Variant of Uncertain Significance.

Women's Health and Genetics/Laboratory Corporation of America, LabCorp
Classification: Uncertain significance. Last evaluated: 2023-12-14. Review status: criteria provided, single submitter. Criteria: LabCorp Variant Classification Summary - May 2015. Collection method: clinical testing. Allele origin: germline.
Comment: Variant summary: GHSR c.367A>G (p.Ser123Gly) results in a non-conservative amino acid change located in the GPCR, rhodopsin-like, 7TM domain (IPR017452) of the encoded protein sequence. Three of five in-silico tools predict a benign effect of the variant on protein function. The variant allele was found at a frequency of 1.6e-05 in 250766 control chromosomes. The available data on variant occurrences in the general population are insufficient to allow any conclusion about variant significance. To our knowledge, no occurrence of c.367A>G in individuals affected with Short Stature Due To Growth Hormone Secretagogue Receptor Deficiency and no experimental evidence demonstrating its impact on protein function have been reported. No submitters have cited clinical-significance assessments for this variant to ClinVar after 2014. Based on the evidence outlined above, the variant was classified as uncertain significance.

NM_198407.2(GHSR):c.367A>G (p.Ser123Gly)

Gene: GHSR (growth hormone secretagogue receptor; minus strand). Cytogenetic location: 3q26.31.
Variant type: single nucleotide variant.
Coding change: c.367A>G on transcript NM_198407.2 (MANE Select); coding-DNA position 367, A replaced by G.
Protein change: p.Ser123Gly; replaces serine 123 with glycine.
Molecular consequence: missense variant.
Genome position (GRCh38, 1-based): chr3:172,448,047, T>C on the plus strand (A>G on the coding strand, the complement: GHSR is on the minus strand). VCF-style: chr3-172448047-T-C. GRCh37 (hg19) VCF-style: chr3-172165837-T-C.
Other names: c.367A>G, p.Ser123Gly (NM_004122.2); short protein forms S123G.
Identifiers: ClinVar variation 2691709 (VCV002691709.2), dbSNP rs142733811, ClinGen allele CA2706484.
Genomic context (GRCh38, chr3:172,448,047, plus strand): 5'-AGTAGCGCTCGACGCTCAGCGCTGTGATGGTGAGCACCGTGGCGTAGGTGCAGCTCTCAC[T>C]GACGAATTGGAAGAGTTTGCAGAGGAGGTCGCCGAAGTTCCAGGGCCGGTACTGCCAGAG-3'
Protein context (NP_940799.1, residues 113-133): DLLCKLFQFV[Ser123Gly]ESCTYATVLT